The following is an entry in ClinVar:

ClinVar aggregate classification (germline): Uncertain significance (1 of 4 stars; one submission).

Allele frequency attached by ClinVar (database versions not stated): gnomAD 0.00001 and 0.00003; ExAC 0.00003; gnomAD exomes 0.00003; TOPMed 0.00003; 1000 Genomes Project 0.00020; 1000 Genomes Project 30x 0.00031.

Submission:

Labcorp Genetics (formerly Invitae), Labcorp
Classification: Uncertain significance. Last evaluated: 2025-12-27. Review status: criteria provided, single submitter. Criteria: Invitae Variant Classification Sherloc (09022015). Collection method: clinical testing. Allele origin: germline.
Comment: This sequence change replaces arginine, which is basic and polar, with glutamine, which is neutral and polar, at codon 355 of the TCIRG1 protein (p.Arg355Gln). This variant is present in population databases (rs148627120, gnomAD 0.02%). This variant has not been reported in the literature in individuals affected with TCIRG1-related conditions. ClinVar contains an entry for this variant (Variation ID: 1442368). Invitae Evidence Modeling of protein sequence and biophysical properties (such as structural, functional, and spatial information, amino acid conservation, physicochemical variation, residue mobility, and thermodynamic stability) indicates that this missense variant is not expected to disrupt TCIRG1 protein function with a negative predictive value of 80%. Algorithms developed to predict the effect of sequence changes on RNA splicing suggest that this variant may create or strengthen a splice site. In summary, the available evidence is currently insufficient to determine the role of this variant in disease. Therefore, it has been classified as a Variant of Uncertain Significance.

NM_006019.4(TCIRG1):c.1064G>A (p.Arg355Gln)

Gene: TCIRG1 (T cell immune regulator 1, ATPase H+ transporting V0 subunit a3; plus strand). Cytogenetic location: 11q13.2.
Variant type: single nucleotide variant.
Coding change: c.1064G>A on transcript NM_006019.4 (MANE Select); coding-DNA position 1064, G replaced by A.
Protein change: p.Arg355Gln; replaces arginine 355 with glutamine.
Molecular consequence: missense variant.
Genome position (GRCh38, 1-based): chr11:68,045,001, G>A. VCF-style: chr11-68045001-G-A. GRCh37 (hg19) VCF-style: chr11-67812468-G-A.
Other names: c.170G>A, p.Arg57Gln (NM_001351059.2); c.416G>A, p.Arg139Gln (NM_006053.4); short protein forms R355Q, R139Q, R57Q.
Identifiers: ClinVar variation 1442368 (VCV001442368.7), dbSNP rs148627120, ClinGen allele CA6146932.